The following is an entry in ClinVar:

NM_000593.6(TAP1):c.1866_1879del (p.His622fs)

Gene: TAP1 (transporter 1, ATP binding cassette subfamily B member; minus strand). Cytogenetic location: 6p21.32.
Variant type: Deletion.
Coding change: c.1866_1879del on transcript NM_000593.6 (MANE Select); coding-DNA positions 1866 to 1879, 14 bases deleted (TAGTTTCATCTCTG).
Protein change: p.His622fs; shifts the reading frame from histidine 622.
Molecular consequence: frameshift variant.
Genome position (GRCh38, 1-based): chr6:32,847,537-32,847,550, CAGAGATGAAACTA deleted on the plus strand (TAGTTTCATCTCTG on the coding strand, the reverse complement: TAP1 is on the minus strand). VCF-style (leftmost placement, unchanged base first): chr6-32847536-CCAGAGATGAAACTA-C. GRCh37 (hg19) VCF-style: chr6-32815313-CCAGAGATGAAACTA-C.
Other names: c.1263_1276del, p.His421fs (NM_001292022.2); short protein forms H421fs, H622fs.
Identifiers: ClinVar variation 1074323 (VCV001074323.7), dbSNP rs1354641607, ClinGen allele CA566698027.
Genomic context (GRCh38, chr6:32,847,536, plus strand): 5'-AAAGATGGCTGGGTGGTGAGATGAGTGGAGAGAGTACCTGTGTCATAGCCCTGAGGGAGT[CCAGAGATGAAACTA>C]TGGGCCCCAGACTTTACTGCAGCAGCTGTGATTTCCTCCATAGTTGGCTTCTGGGTCAGG-3'

ClinVar aggregate classification (germline): Pathogenic (1 of 4 stars; one submission).

Conditions:
MHC class I deficiency. Identifiers: Orphanet 34592, MedGen C6024714, MONDO:0011476.

Allele frequency attached by ClinVar (database versions not stated): gnomAD 0.00001.

Submission:

Labcorp Genetics (formerly Invitae), Labcorp
Classification: Pathogenic for MHC class I deficiency 1. Last evaluated: 2020-06-16. Review status: criteria provided, single submitter. Criteria: Invitae Variant Classification Sherloc (09022015). Collection method: clinical testing. Allele origin: germline.
Comment: For these reasons, this variant has been classified as Pathogenic. This sequence change creates a premature translational stop signal (p.His682Glnfs*7) in the TAP1 gene. It is expected to result in an absent or disrupted protein product. This variant is not present in population databases (ExAC no frequency). This variant has not been reported in the literature in individuals with TAP1-related conditions. Loss-of-function variants in TAP1 are known to be pathogenic (PMID: 10074494, 10074495).

Literature cited by the submitters: PubMed 10074494; PubMed 10074495.